The following is an entry in ClinVar:

ClinVar aggregate classification (germline): Uncertain significance (1 of 4 stars; one submission).

Conditions:
Charcot-Marie-Tooth disease type 2E (CMT2E). Also called: CHARCOT-MARIE-TOOTH NEUROPATHY, TYPE 2E; CHARCOT-MARIE-TOOTH DISEASE, AXONAL, TYPE 2E. Identifiers: Orphanet 99939, MedGen C1843225, MONDO:0011894, OMIM 607684.

Allele frequency attached by ClinVar (database versions not stated): TOPMed below 0.00001.

Submission:

Labcorp Genetics (formerly Invitae), Labcorp
Classification: Uncertain significance for Charcot-Marie-Tooth disease type 2E. Last evaluated: 2023-09-24. Review status: criteria provided, single submitter. Criteria: Invitae Variant Classification Sherloc (09022015). Collection method: clinical testing. Allele origin: germline.
Comment: This sequence change replaces serine, which is neutral and polar, with proline, which is neutral and non-polar, at codon 255 of the NEFL protein (p.Ser255Pro). This variant is not present in population databases (gnomAD no frequency). This variant has not been reported in the literature in individuals affected with NEFL-related conditions. Advanced modeling of protein sequence and biophysical properties (such as structural, functional, and spatial information, amino acid conservation, physicochemical variation, residue mobility, and thermodynamic stability) performed at Invitae indicates that this missense variant is expected to disrupt NEFL protein function. In summary, the available evidence is currently insufficient to determine the role of this variant in disease. Therefore, it has been classified as a Variant of Uncertain Significance.

NM_006158.5(NEFL):c.763T>C (p.Ser255Pro)

Gene: NEFL (neurofilament light chain; minus strand). Cytogenetic location: 8p21.2.
Variant type: single nucleotide variant.
Coding change: c.763T>C on transcript NM_006158.5 (MANE Select); coding-DNA position 763, T replaced by C.
Protein change: p.Ser255Pro; replaces serine 255 with proline.
Molecular consequence: missense variant.
Genome position (GRCh38, 1-based): chr8:24,955,753, A>G on the plus strand (T>C on the coding strand, the complement: NEFL is on the minus strand). VCF-style: chr8-24955753-A-G. GRCh37 (hg19) VCF-style: chr8-24813267-A-G.
Other names: short protein forms S255P.
Identifiers: ClinVar variation 2894403 (VCV002894403.3), dbSNP rs1803039988, ClinGen allele CA370621684.